The following is an entry in ClinVar:

ClinVar aggregate classification (germline): Uncertain significance (1 of 4 stars; one submission).

Conditions:
Familial thoracic aortic aneurysm and aortic dissection (TAAD). Also called: Thoracic aortic aneurysms and dissections. Identifiers: Orphanet 91387, MedGen C4707243, MONDO:0019625.

gnomAD v4.1: 1 of 1,608,106 alleles (0.000062%); highest among the groups gnomAD compares: Non-Finnish European, 0.000085%; no homozygotes.

Submission:

Ambry Genetics
Classification: Uncertain significance for Familial thoracic aortic aneurysm and aortic dissection. Last evaluated: 2026-01-21. Review status: criteria provided, single submitter. Criteria: Ambry Variant Classification Scheme 2023. Collection method: clinical testing. Allele origin: germline.
Comment: The p.K596R variant (also known as c.1787A>G), located in coding exon 15 of the PRKG1 gene, results from an A to G substitution at nucleotide position 1787. The lysine at codon 596 is replaced by arginine, an amino acid with highly similar properties. This amino acid position is conserved. In addition, this alteration is predicted to be tolerated by in silico analysis. Based on the available evidence, the clinical significance of this variant remains unclear.

NM_006258.4(PRKG1):c.1787A>G (p.Lys596Arg)

Gene: PRKG1 (protein kinase cGMP-dependent 1; plus strand). Cytogenetic location: 10q21.1.
Variant type: single nucleotide variant.
Coding change: c.1787A>G on transcript NM_006258.4 (MANE Select); coding-DNA position 1787, A replaced by G.
Protein change: p.Lys596Arg; replaces lysine 596 with arginine.
Molecular consequence: missense variant.
Genome position (GRCh38, 1-based): chr10:52,288,803, A>G. VCF-style: chr10-52288803-A-G. GRCh37 (hg19) VCF-style: chr10-54048563-A-G.
Other names: c.1742A>G, p.Lys581Arg (NM_001098512.3); c.578A>G, p.Lys193Arg (NM_001374781.1); short protein forms K193R, K596R, K581R.
Identifiers: ClinVar variation 4144557 (VCV004144557.2).